The following is an entry in ClinVar:

ClinVar aggregate classification (germline): Benign/Likely benign. Review status: criteria provided, multiple submitters, no conflicts (2 of 4 stars). 5 submissions from 5 submitters: Benign (1); Likely benign (3). 1 of the submissions does not count toward it. Last evaluated 2025-08-20.

Conditions:
APC-related disorder. Also called: APC-related condition.
Hereditary cancer-predisposing syndrome. Also called: Hereditary neoplastic syndrome; Neoplastic Syndromes, Hereditary; Tumor predisposition; Hereditary Cancer Syndrome. Identifiers: Orphanet 140162, MedGen C0027672, MeSH D009386, MONDO:0015356.
Familial adenomatous polyposis 1 (FAP1). Also called: POLYPOSIS, ADENOMATOUS INTESTINAL; FAMILIAL ADENOMATOUS POLYPOSIS 1, ATTENUATED. Identifiers: MedGen C2713442, MONDO:0021056, OMIM 175100. Disease mechanism: loss of function.

Allele frequency attached by ClinVar (database versions not stated): gnomAD 0.00001; TOPMed 0.00003.
gnomAD v4.1: 1 of 1,613,898 alleles (0.000062%); highest among the groups gnomAD compares: African/African-American, 0.0013%; no homozygotes.

Submissions (5):

Labcorp Genetics (formerly Invitae), Labcorp
Classification: Likely benign for Familial adenomatous polyposis 1. Last evaluated: 2025-08-20. Review status: criteria provided, single submitter. Criteria: Invitae Variant Classification Sherloc (09022015). Collection method: clinical testing. Allele origin: germline.

Myriad Genetics, Inc.
Classification: Benign for Familial adenomatous polyposis 1. Last evaluated: 2024-04-05. Review status: criteria provided, single submitter. Criteria: Myriad Autosomal Dominant, Autosomal Recessive and X-Linked Classification Criteria (2023). Collection method: clinical testing. Allele origin: unknown.
Comment: This variant is considered benign. This variant is a silent/synonymous amino acid change and it is not expected to impact splicing.

Ambry Genetics
Classification: Likely benign for Hereditary cancer-predisposing syndrome. Last evaluated: 2022-02-18. Review status: criteria provided, single submitter. Criteria: Ambry Variant Classification Scheme 2023. Collection method: clinical testing. Allele origin: germline.

Women's Health and Genetics/Laboratory Corporation of America, LabCorp
Classification: Likely benign. Last evaluated: 2019-08-20. Review status: criteria provided, single submitter. Criteria: LabCorp Variant Classification Summary - May 2015. Collection method: clinical testing. Allele origin: germline.

PreventionGenetics, part of Exact Sciences
Classification: Likely benign for APC-related condition. Last evaluated: 2022-12-20. Review status: no assertion criteria provided. Collection method: clinical testing. Allele origin: germline. Not counted in ClinVar's aggregate classification.
Comment: This variant is classified as likely benign based on ACMG/AMP sequence variant interpretation guidelines (Richards et al. 2015 PMID: 25741868, with internal and published modifications).

NM_000038.6(APC):c.6675T>C (p.Ser2225=)

Gene: APC (APC regulator of Wnt signaling pathway; plus strand). Cytogenetic location: 5q22.2.
Variant type: single nucleotide variant.
Coding change: c.6675T>C on transcript NM_000038.6 (MANE Select); coding-DNA position 6675, T replaced by C.
Protein change: p.Ser2225=; no amino-acid change (serine 2225 retained).
Molecular consequence: synonymous variant.
Genome position (GRCh38, 1-based): chr5:112,842,269, T>C. VCF-style: chr5-112842269-T-C. GRCh37 (hg19) VCF-style: chr5-112177966-T-C.
Other names: c.6675T>C, p.Ser2225= (NM_001127510.3, NM_001354895.2); c.6621T>C, p.Ser2207= (NM_001127511.3); c.6729T>C, p.Ser2243= (NM_001354896.2); c.6705T>C, p.Ser2235= (NM_001354897.2); c.6600T>C, p.Ser2200= (NM_001354898.2); c.6591T>C, p.Ser2197= (NM_001354899.2); c.6552T>C, p.Ser2184= (NM_001354900.2); c.6498T>C, p.Ser2166= (NM_001354901.2); and 5 more.
Identifiers: ClinVar variation 470057 (VCV000470057.20), dbSNP rs950337714, ClinGen allele CA125167803.